The following is an entry in ClinVar:

NM_152327.5(AK7):c.1255G>A (p.Gly419Arg)

Gene: AK7 (adenylate kinase 7; plus strand). Cytogenetic location: 14q32.2.
Variant type: single nucleotide variant.
Coding change: c.1255G>A on transcript NM_152327.5 (MANE Select); coding-DNA position 1255, G replaced by A.
Protein change: p.Gly419Arg; replaces glycine 419 with arginine.
Molecular consequence: missense variant.
Genome position (GRCh38, 1-based): chr14:96,458,110, G>A. VCF-style: chr14-96458110-G-A. GRCh37 (hg19) VCF-style: chr14-96924447-G-A.
Other names: c.1255G>A, p.Gly419Arg (NM_001350888.2, NM_001350890.2, NM_001350892.2); c.1177G>A, p.Gly393Arg (NM_001350891.2); c.1255G>A (NM_152327.2); short protein forms G393R, G419R.
Identifiers: ClinVar variation 3009751 (VCV003009751.4), dbSNP rs138340618, ClinGen allele CA7337796.

ClinVar aggregate classification (germline): Uncertain significance. Review status: criteria provided, multiple submitters, no conflicts (2 of 4 stars). 2 submissions from 2 submitters: Uncertain significance (2). Last evaluated 2024-05-06.

Allele frequency attached by ClinVar (database versions not stated): TOPMed below 0.00001; gnomAD 0.00001; gnomAD exomes 0.00001; ExAC 0.00003; ESP Exome Variant Server 0.00008.
gnomAD v4.1: 11 of 1,613,676 alleles (0.00068%); highest among the groups gnomAD compares: Non-Finnish European, 0.00093%; no homozygotes.

Submissions (2):

Ambry Genetics
Classification: Uncertain significance. Last evaluated: 2024-05-06. Review status: criteria provided, single submitter. Criteria: Ambry Variant Classification Scheme 2023. Collection method: clinical testing. Allele origin: germline.

Labcorp Genetics (formerly Invitae), Labcorp
Classification: Uncertain significance. Last evaluated: 2024-02-15. Review status: criteria provided, single submitter. Criteria: Invitae Variant Classification Sherloc (09022015). Collection method: clinical testing. Allele origin: germline.
Comment: This sequence change replaces glycine, which is neutral and non-polar, with arginine, which is basic and polar, at codon 419 of the AK7 protein (p.Gly419Arg). This variant is present in population databases (rs138340618, gnomAD 0.005%). This variant has not been reported in the literature in individuals affected with AK7-related conditions. An algorithm developed to predict the effect of missense changes on protein structure and function (PolyPhen-2) suggests that this variant is likely to be tolerated. In summary, the available evidence is currently insufficient to determine the role of this variant in disease. Therefore, it has been classified as a Variant of Uncertain Significance.